The following is an entry in ClinVar:

ClinVar aggregate classification (germline): Uncertain significance (1 of 4 stars; one submission).

Allele frequency attached by ClinVar (database versions not stated): gnomAD exomes below 0.00001; ExAC 0.00001; TOPMed 0.00001.
gnomAD v4.1: 2 of 1,612,886 alleles (0.00012%); highest among the groups gnomAD compares: African/African-American, 0.0013%; no homozygotes.

Submission:

Labcorp Genetics (formerly Invitae), Labcorp
Classification: Uncertain significance. Last evaluated: 2021-04-09. Review status: criteria provided, single submitter. Criteria: Invitae Variant Classification Sherloc (09022015). Collection method: clinical testing. Allele origin: germline.
Comment: This variant is present in population databases (rs781412871, ExAC 0.01%). This sequence change replaces glycine with serine at codon 409 of the CFH protein (p.Gly409Ser). The glycine residue is moderately conserved and there is a small physicochemical difference between glycine and serine. This variant has not been reported in the literature in individuals with CFH-related conditions. Algorithms developed to predict the effect of missense changes on protein structure and function are either unavailable or do not agree on the potential impact of this missense change (SIFT: "Tolerated"; PolyPhen-2: "Possibly Damaging"; Align-GVGD: "Class C0"). In summary, the available evidence is currently insufficient to determine the role of this variant in disease. Therefore, it has been classified as a Variant of Uncertain Significance.

NM_000186.4(CFH):c.1225G>A (p.Gly409Ser)

Gene: CFH (complement factor H; plus strand). Cytogenetic location: 1q31.3.
Variant type: single nucleotide variant.
Coding change: c.1225G>A on transcript NM_000186.4 (MANE Select); coding-DNA position 1225, G replaced by A.
Protein change: p.Gly409Ser; replaces glycine 409 with serine.
Molecular consequence: missense variant.
Genome position (GRCh38, 1-based): chr1:196,690,128, G>A. VCF-style: chr1-196690128-G-A. GRCh37 (hg19) VCF-style: chr1-196659258-G-A.
Other names: c.1225G>A, p.Gly409Ser (NM_001014975.3); short protein forms G409S.
Identifiers: ClinVar variation 1420366 (VCV001420366.8), dbSNP rs781412871, ClinGen allele CA1305287.
Genomic context (GRCh38, chr1:196,690,128, plus strand): 5'-TGTTATTTTCCTTATTTGGAAAATGGATATAATCAAAATCATGGAAGAAAGTTTGTACAG[G>A]GTAAATCTATAGACGTTGCCTGCCATCCTGGCTACGCTCTTCCAAAAGCGCAGACCACAG-3'
Protein context (NP_000177.2, residues 399-419): NQNHGRKFVQ[Gly409Ser]KSIDVACHPG